The following is an entry in ClinVar:

NM_014727.3(KMT2B):c.2060C>T (p.Ser687Phe)

Gene: KMT2B (lysine methyltransferase 2B; plus strand). Cytogenetic location: 19q13.12.
Variant type: single nucleotide variant.
Coding change: c.2060C>T on transcript NM_014727.3 (MANE Select); coding-DNA position 2060, C replaced by T.
Protein change: p.Ser687Phe; replaces serine 687 with phenylalanine.
Molecular consequence: missense variant.
Genome position (GRCh38, 1-based): chr19:35,721,407, C>T. VCF-style: chr19-35721407-C-T. GRCh37 (hg19) VCF-style: chr19-36212309-C-T.
Other names: short protein forms S687F.
Identifiers: ClinVar variation 2866730 (VCV002866730.3), dbSNP rs576228442, ClinGen allele CA307783438.
Genomic context (GRCh38, chr19:35,721,407, plus strand): 5'-CTCCTCCTCCTCTTGGGGCTCCTGAAGCCCCTGAGCCAGAGCCTCCTCCTGCCGATGACT[C>T]TCCAGCTGAGCCTGAGCCTCGGGCAGTGGGCCGCACCAACCACCTCAGCCTGCCTCGATT-3'
Protein context (NP_055542.1, residues 677-697): PEPEPPPADD[Ser687Phe]PAEPEPRAVG

ClinVar aggregate classification (germline): Uncertain significance (1 of 4 stars; one submission).

Allele frequency attached by ClinVar (database versions not stated): gnomAD 0.00001; TOPMed 0.00002; 1000 Genomes Project 30x 0.00016; 1000 Genomes Project 0.00020.
gnomAD v4.1: 2 of 1,610,920 alleles (0.00012%); highest among the groups gnomAD compares: African/African-American, 0.0027%; no homozygotes.

Submission:

Labcorp Genetics (formerly Invitae), Labcorp
Classification: Uncertain significance. Last evaluated: 2023-09-11. Review status: criteria provided, single submitter. Criteria: Invitae Variant Classification Sherloc (09022015). Collection method: clinical testing. Allele origin: germline.
Comment: Advanced modeling of protein sequence and biophysical properties (such as structural, functional, and spatial information, amino acid conservation, physicochemical variation, residue mobility, and thermodynamic stability) performed at Invitae indicates that this missense variant is not expected to disrupt KMT2B protein function. This variant has not been reported in the literature in individuals affected with KMT2B-related conditions. This variant is not present in population databases (gnomAD no frequency). This sequence change replaces serine, which is neutral and polar, with phenylalanine, which is neutral and non-polar, at codon 687 of the KMT2B protein (p.Ser687Phe). In summary, the available evidence is currently insufficient to determine the role of this variant in disease. Therefore, it has been classified as a Variant of Uncertain Significance.